The following is an entry in ClinVar:

NM_201631.4(TGM5):c.314G>A (p.Cys105Tyr)

Gene: TGM5 (transglutaminase 5; minus strand). Cytogenetic location: 15q15.2.
Variant type: single nucleotide variant.
Coding change: c.314G>A on transcript NM_201631.4 (MANE Select); coding-DNA position 314, G replaced by A.
Protein change: p.Cys105Tyr; replaces cysteine 105 with tyrosine.
Molecular consequence: missense variant. On other transcripts: intron variant (1).
Genome position (GRCh38, 1-based): chr15:43,260,174, C>T on the plus strand (G>A on the coding strand, the complement: TGM5 is on the minus strand). VCF-style: chr15-43260174-C-T. GRCh37 (hg19) VCF-style: chr15-43552372-C-T.
Other names: c.190+226G>A (NM_004245.4); short protein forms C105Y.
Identifiers: ClinVar variation 137638 (VCV000137638.10), dbSNP rs116753155, ClinGen allele CA291279.
Genomic context (GRCh38, chr15:43,260,174, plus strand): 5'-TGGAAGGAGTCGATGTGGATTTTCAAGAGGTACCGACCCACGGCCGCCGTGGGAGGAGCG[C>T]ACAAGCTCACCTCTGTGGAGGTGGCCCCATTGGTCTCCAGCCAGGCAATCCAGGGGCTGG-3'
Protein context (NP_963925.2, residues 95-115): NGATSTEVSL[Cys105Tyr]APPTAAVGRY

ClinVar aggregate classification (germline): Benign. Review status: criteria provided, multiple submitters, no conflicts (2 of 4 stars). 3 submissions from 3 submitters: Benign (3). Last evaluated 2019-12-31.

Conditions:
Acral peeling skin syndrome. Also called: Peeling skin syndrome 2. Identifiers: Orphanet 263534, MedGen C1853354, MONDO:0012345, OMIM 609796.

Allele frequency attached by ClinVar (database versions not stated): gnomAD 0.00185; TOPMed 0.00296; ExAC 0.00314; gnomAD exomes 0.00316; 1000 Genomes Project 30x 0.00718; 1000 Genomes Project 0.00739.
gnomAD v4.1: 2,737 of 1,614,108 alleles (0.17%); highest among the groups gnomAD compares: East Asian, 5%; 60 homozygotes.

Submissions (3):

Labcorp Genetics (formerly Invitae), Labcorp
Classification: Benign. Last evaluated: 2019-12-31. Review status: criteria provided, single submitter. Criteria: Invitae Variant Classification Sherloc (09022015). Collection method: clinical testing. Allele origin: germline.

Illumina Laboratory Services, Illumina
Classification: Benign for Acral peeling skin syndrome. Last evaluated: 2018-01-12. Review status: criteria provided, single submitter. Criteria: ICSL Variant Classification Criteria 13 December 2019. Collection method: clinical testing. Allele origin: germline.
Comment: This variant was observed in the ICSL laboratory as part of a predisposition screen in an ostensibly healthy population. It had not been previously curated by ICSL or reported in the Human Gene Mutation Database (HGMD: prior to June 1st, 2018), and was therefore a candidate for classification through an automated scoring system. Utilizing variant allele frequency, disease prevalence and penetrance estimates, and inheritance mode, an automated score was calculated to assess if this variant is too frequent to cause the disease. Based on the score and internal cut-off values, a variant classified as benign is not then subjected to further curation. The score for this variant resulted in a classification of benign for this disease.

Breakthrough Genomics
Classification: Benign. Review status: criteria provided, single submitter. Criteria: ACMG Guidelines, 2015. Collection method: not provided. Allele origin: germline. Inheritance: Autosomal recessive inheritance. Affected: yes.